The following is an entry in ClinVar:

ClinVar aggregate classification (germline): Uncertain significance (1 of 4 stars; one submission).

Submission:

Labcorp Genetics (formerly Invitae), Labcorp
Classification: Uncertain significance. Last evaluated: 2022-07-05. Review status: criteria provided, single submitter. Criteria: Invitae Variant Classification Sherloc (09022015). Collection method: clinical testing. Allele origin: germline.
Comment: In summary, the available evidence is currently insufficient to determine the role of this variant in disease. Therefore, it has been classified as a Variant of Uncertain Significance. Algorithms developed to predict the effect of missense changes on protein structure and function output the following: SIFT: "Tolerated"; PolyPhen-2: "Benign"; Align-GVGD: "Class C0". The leucine amino acid residue is found in multiple mammalian species, which suggests that this missense change does not adversely affect protein function. ClinVar contains an entry for this variant (Variation ID: 1414476). This variant has not been reported in the literature in individuals affected with NXN-related conditions. The frequency data for this variant in the population databases is considered unreliable, as metrics indicate poor data quality at this position in the gnomAD database. This sequence change replaces valine, which is neutral and non-polar, with leucine, which is neutral and non-polar, at codon 287 of the NXN protein (p.Val287Leu).

NM_022463.5(NXN):c.859G>T (p.Val287Leu)

Gene: NXN (nucleoredoxin; minus strand). Cytogenetic location: 17p13.3.
Variant type: single nucleotide variant.
Coding change: c.859G>T on transcript NM_022463.5 (MANE Select); coding-DNA position 859, G replaced by T.
Protein change: p.Val287Leu; replaces valine 287 with leucine.
Molecular consequence: missense variant.
Genome position (GRCh38, 1-based): chr17:805,209, C>A on the plus strand (G>T on the coding strand, the complement: NXN is on the minus strand). VCF-style: chr17-805209-C-A. GRCh37 (hg19) VCF-style: chr17-708449-C-A.
Other names: c.535G>T, p.Val179Leu (NM_001205319.1); short protein forms V179L, V287L.
Identifiers: ClinVar variation 1414476 (VCV001414476.6), dbSNP rs1186070371, ClinGen allele CA397510115.